The following is an entry in ClinVar:

NM_000548.5(TSC2):c.2961C>G (p.Val987=)

Gene: TSC2 (TSC complex subunit 2; plus strand). Cytogenetic location: 16p13.3.
Variant type: single nucleotide variant.
Coding change: c.2961C>G on transcript NM_000548.5 (MANE Select); coding-DNA position 2961, C replaced by G.
Protein change: p.Val987=; no amino-acid change (valine 987 retained).
Molecular consequence: synonymous variant. On other transcripts: intron variant (9).
Genome position (GRCh38, 1-based): chr16:2,077,721, C>G. VCF-style: chr16-2077721-C-G. GRCh37 (hg19) VCF-style: chr16-2127722-C-G.
Other names: c.2961C>G, p.Val987= (NM_001114382.3); c.2837+1136C>G (NM_021055.3, NM_001370405.1, NM_001363528.2 and 2 more transcripts); c.2726+1136C>G (NM_001318827.2); c.2237+1136C>G (NM_001318831.2); c.2690+1136C>G (NM_001318829.2); c.2870+1136C>G (NM_001318832.2).
Identifiers: ClinVar variation 467978 (VCV000467978.22), dbSNP rs775637322, ClinGen allele CA043025.

ClinVar aggregate classification (germline): Benign/Likely benign. Review status: criteria provided, multiple submitters, no conflicts (2 of 4 stars). 6 submissions from 6 submitters: Benign (4); Likely benign (2). Last evaluated 2026-02-03.

Conditions:
Hereditary cancer-predisposing syndrome. Also called: Hereditary neoplastic syndrome; Neoplastic Syndromes, Hereditary; Tumor predisposition; Hereditary Cancer Syndrome. Identifiers: Orphanet 140162, MedGen C0027672, MeSH D009386, MONDO:0015356.
Tuberous sclerosis 2 (TSC2). Identifiers: Orphanet 805, MedGen C1860707, MONDO:0013199, OMIM 613254.

Allele frequency attached by ClinVar (database versions not stated): gnomAD 0.00001; ExAC 0.00003; gnomAD exomes 0.00004.
gnomAD v4.1: 17 of 1,612,528 alleles (0.0011%); highest among the groups gnomAD compares: Admixed American, 0.028%; no homozygotes.

Submissions (6):

Labcorp Genetics (formerly Invitae), Labcorp
Classification: Benign for Tuberous sclerosis 2. Last evaluated: 2026-02-03. Review status: criteria provided, single submitter. Criteria: Invitae Variant Classification Sherloc (09022015). Collection method: clinical testing. Allele origin: germline.

Myriad Genetics, Inc.
Classification: Benign for Tuberous sclerosis 2. Last evaluated: 2025-05-27. Review status: criteria provided, single submitter. Criteria: Myriad Autosomal Dominant, Autosomal Recessive and X-Linked Classification Criteria (2023). Collection method: clinical testing. Allele origin: unknown.
Comment: This variant is considered benign. This variant is a silent/synonymous amino acid change and it is not expected to impact splicing.

Quest Diagnostics Nichols Institute San Juan Capistrano
Classification: Benign. Last evaluated: 2022-10-24. Review status: criteria provided, single submitter. Criteria: Quest Diagnostics criteria. Collection method: clinical testing. Allele origin: unknown.
Comment: The frequency of this variant in the general population is higher than would generally be expected for pathogenic variants in this gene. Computational tools yielded predictions that this variant is unlikely to have an effect on normal RNA splicing. This nucleotide position exhibits low evolutionary conservation.

Genome-Nilou Lab
Classification: Benign for Tuberous sclerosis 2. Last evaluated: 2021-11-07. Review status: criteria provided, single submitter. Criteria: ACMG Guidelines, 2015. Collection method: clinical testing. Allele origin: germline. Affected: no.

GeneDx
Classification: Likely benign. Last evaluated: 2021-09-23. Review status: criteria provided, single submitter. Criteria: GeneDx Variant Classification Process June 2021. Collection method: clinical testing. Allele origin: germline. Affected: yes.

Ambry Genetics
Classification: Likely benign for Hereditary cancer-predisposing syndrome. Last evaluated: 2019-12-31. Review status: criteria provided, single submitter. Criteria: Ambry Variant Classification Scheme 2023. Collection method: clinical testing. Allele origin: germline.